The following is an entry in ClinVar:

NM_018249.6(CDK5RAP2):c.826-8T>A

Gene: CDK5RAP2 (CDK5 regulatory subunit associated protein 2; minus strand). Cytogenetic location: 9q33.2.
Variant type: single nucleotide variant.
Coding change: c.826-8T>A on transcript NM_018249.6 (MANE Select); 8 bases into the intron before coding-DNA position 826, T replaced by A.
Molecular consequence: intron variant.
Genome position (GRCh38, 1-based): chr9:120,528,805, A>T on the plus strand (T>A on the coding strand, the complement: CDK5RAP2 is on the minus strand). VCF-style: chr9-120528805-A-T. GRCh37 (hg19) VCF-style: chr9-123291083-A-T.
Other names: c.826-8T>A (NM_001272039.2, NM_001410992.1, NM_001410994.1 and 2 more transcripts).
Identifiers: ClinVar variation 3768037 (VCV003768037.1).

ClinVar aggregate classification (germline): Uncertain significance (1 of 4 stars; one submission).

gnomAD v4.1: 11 of 1,606,972 alleles (0.00068%); highest among the groups gnomAD compares: African/African-American, 0.013%; no homozygotes.

Submission:

Women's Health and Genetics/Laboratory Corporation of America, LabCorp
Classification: Uncertain significance. Last evaluated: 2024-12-16. Review status: criteria provided, single submitter. Criteria: LabCorp Variant Classification Summary - May 2015. Collection method: clinical testing. Allele origin: germline.
Comment: Variant summary: CDK5RAP2 c.826-8T>A alters a conserved nucleotide located close to a canonical splice site and therefore could affect mRNA splicing, leading to a significantly altered protein sequence. Consensus agreement among computation tools predict no significant impact on normal splicing. However, these predictions have yet to be confirmed by functional studies. The variant allele was found at a frequency of 6.9e-06 in 1599990 control chromosomes in the gnomAD database (v4.1 dataset). This frequency is not higher than the maximum estimated for a pathogenic variant in CDK5RAP2 causing Primary Autosomal Recessive Microcephaly 3, allowing no conclusion about variant significance. To our knowledge, no occurrence of c.826-8T>A in individuals affected with Primary Autosomal Recessive Microcephaly 3 and no experimental evidence demonstrating its impact on protein function have been reported. No submitters have cited clinical-significance assessments for this variant to ClinVar. Based on the evidence outlined above, the variant was classified as uncertain significance.